The following is an entry in ClinVar:

NM_004341.5(CAD):c.4451A>G (p.Asp1484Gly)

Gene: CAD (carbamoyl-phosphate synthetase 2, aspartate transcarbamylase, and dihydroorotase; plus strand). Cytogenetic location: 2p23.3.
Variant type: single nucleotide variant.
Coding change: c.4451A>G on transcript NM_004341.5 (MANE Select); coding-DNA position 4451, A replaced by G.
Protein change: p.Asp1484Gly; replaces aspartic acid 1484 with glycine.
Molecular consequence: missense variant.
Genome position (GRCh38, 1-based): chr2:27,237,433, A>G. VCF-style: chr2-27237433-A-G. GRCh37 (hg19) VCF-style: chr2-27460301-A-G.
Other names: c.4262A>G, p.Asp1421Gly (NM_001306079.2); short protein forms D1421G, D1484G.
Identifiers: ClinVar variation 1386798 (VCV001386798.5), dbSNP rs1430959701, ClinGen allele CA346219820.

ClinVar aggregate classification (germline): Uncertain significance (1 of 4 stars; one submission).

Allele frequency attached by ClinVar (database versions not stated): gnomAD exomes below 0.00001; TOPMed 0.00001.
gnomAD v4.1: 1 of 1,614,074 alleles (0.000062%); highest among the groups gnomAD compares: Non-Finnish European, 0.000085%; no homozygotes.

Submission:

Labcorp Genetics (formerly Invitae), Labcorp
Classification: Uncertain significance. Last evaluated: 2021-08-27. Review status: criteria provided, single submitter. Criteria: Invitae Variant Classification Sherloc (09022015). Collection method: clinical testing. Allele origin: germline.
Comment: This sequence change replaces aspartic acid with glycine at codon 1484 of the CAD protein (p.Asp1484Gly). The aspartic acid residue is highly conserved and there is a moderate physicochemical difference between aspartic acid and glycine. This variant is not present in population databases (ExAC no frequency). This variant has not been reported in the literature in individuals affected with CAD-related conditions. Algorithms developed to predict the effect of missense changes on protein structure and function are either unavailable or do not agree on the potential impact of this missense change (SIFT: "Deleterious"; PolyPhen-2: "Probably Damaging"; Align-GVGD: "Class C0"). In summary, the available evidence is currently insufficient to determine the role of this variant in disease. Therefore, it has been classified as a Variant of Uncertain Significance.